The following is an entry in ClinVar:

ClinVar aggregate classification (germline): Uncertain significance. Review status: criteria provided, multiple submitters, no conflicts (2 of 4 stars). 5 submissions from 5 submitters: Uncertain significance (3). 2 of the submissions do not count toward it. Last evaluated 2025-12-22.

Conditions:
Alstrom syndrome (ALMS). Identifiers: Orphanet 64, MedGen C0268425, MONDO:0008763, OMIM 203800.
Cardiovascular phenotype. Identifiers: MedGen CN230736.

Allele frequency attached by ClinVar (database versions not stated): gnomAD 0.00006; TOPMed 0.00005.
gnomAD v4.1: 19 of 1,614,030 alleles (0.0012%); highest among the groups gnomAD compares: African/African-American, 0.021%; no homozygotes.

Submissions (5):

Labcorp Genetics (formerly Invitae), Labcorp
Classification: Uncertain significance for Alstrom syndrome. Last evaluated: 2025-12-22. Review status: criteria provided, single submitter. Criteria: Invitae Variant Classification Sherloc (09022015). Collection method: clinical testing. Allele origin: germline.
Comment: This sequence change replaces cysteine, which is neutral and slightly polar, with serine, which is neutral and polar, at codon 2427 of the ALMS1 protein (p.Cys2427Ser). This variant is present in population databases (rs35649068, gnomAD 0.02%). This variant has not been reported in the literature in individuals affected with ALMS1-related conditions. ClinVar contains an entry for this variant (Variation ID: 558306). Experimental studies and prediction algorithms are not available or were not evaluated, and the functional significance of this variant is currently unknown. In summary, the available evidence is currently insufficient to determine the role of this variant in disease. Therefore, it has been classified as a Variant of Uncertain Significance.

Ambry Genetics
Classification: Uncertain significance for Cardiovascular phenotype. Last evaluated: 2024-03-15. Review status: criteria provided, single submitter. Criteria: Ambry Variant Classification Scheme 2023. Collection method: clinical testing. Allele origin: germline.
Comment: The p.C2427S variant (also known as c.7280G>C), located in coding exon 8 of the ALMS1 gene, results from a G to C substitution at nucleotide position 7280. The cysteine at codon 2427 is replaced by serine, an amino acid with dissimilar properties. This amino acid position is well conserved in available vertebrate species. In addition, this alteration is predicted to be tolerated by in silico analysis. Based on the available evidence, the clinical significance of this alteration remains unclear.

GeneDx
Classification: Uncertain significance. Last evaluated: 2022-04-08. Review status: criteria provided, single submitter. Criteria: GeneDx Variant Classification Process June 2021. Collection method: clinical testing. Allele origin: germline. Affected: yes.
Comment: In silico analysis supports that this missense variant has a deleterious effect on protein structure/function; Has not been previously published as pathogenic or benign to our knowledge

Natera, Inc.
Classification: Uncertain significance for Alstrom syndrome. Last evaluated: 2021-09-08. Review status: no assertion criteria provided. Collection method: clinical testing. Allele origin: germline. Not counted in ClinVar's aggregate classification.

Counsyl
Classification: Uncertain significance for Alstrom syndrome. Last evaluated: 2018-05-15. Review status: no assertion criteria provided. Collection method: clinical testing. Allele origin: unknown. Not counted in ClinVar's aggregate classification.

NM_001378454.1(ALMS1):c.7277G>C (p.Cys2426Ser)

Gene: ALMS1 (ALMS1 centrosome and basal body associated protein; plus strand). Cytogenetic location: 2p13.1.
Variant type: single nucleotide variant.
Coding change: c.7277G>C on transcript NM_001378454.1 (MANE Select); coding-DNA position 7277, G replaced by C.
Protein change: p.Cys2426Ser; replaces cysteine 2426 with serine.
Molecular consequence: missense variant.
Genome position (GRCh38, 1-based): chr2:73,453,804, G>C. VCF-style: chr2-73453804-G-C. GRCh37 (hg19) VCF-style: chr2-73680931-G-C.
Other names: c.7280G>C, p.Cys2427Ser (NM_015120.4); short protein forms C2427S, C2426S.
Identifiers: ClinVar variation 558306 (VCV000558306.13), dbSNP rs35649068, ClinGen allele CA1714207.